The following is an entry in ClinVar:

NM_018082.6(POLR3B):c.2605G>C (p.Val869Leu)

Gene: POLR3B (RNA polymerase III subunit B; plus strand). Cytogenetic location: 12q23.3.
Variant type: single nucleotide variant.
Coding change: c.2605G>C on transcript NM_018082.6 (MANE Select); coding-DNA position 2605, G replaced by C.
Protein change: p.Val869Leu; replaces valine 869 with leucine.
Molecular consequence: missense variant.
Genome position (GRCh38, 1-based): chr12:106,463,512, G>C. VCF-style: chr12-106463512-G-C. GRCh37 (hg19) VCF-style: chr12-106857290-G-C.
Other names: c.2431G>C, p.Val811Leu (NM_001160708.2); short protein forms V811L, V869L.
Identifiers: ClinVar variation 4886755 (VCV004886755.1).

ClinVar aggregate classification (germline): Likely pathogenic (1 of 4 stars; one submission).

Conditions:
Leukodystrophy, hypomyelinating, 8, with or without oligodontia and/or hypogonadotropic hypogonadism. Also called: LEUKODYSTROPHY, HYPOMYELINATING, 8, WITH HYPODONTIA AND HYPOGONADOTROPIC HYPOGONADISM; Hypomyelinating leukodystrophy 8 with or without oligodontia and-or hypogonadotropic hypogonadism; Endosteal sclerosis-cerebellar hypoplasia syndrome. Identifiers: Orphanet 85186, Orphanet 88637, MedGen C3280644, MONDO:0013722, OMIM 614381.

gnomAD v4.1: 2 of 1,613,304 alleles (0.00012%); highest among the groups gnomAD compares: Non-Finnish European, 0.00017%; no homozygotes.

Submission:

Molecular Genetics Laboratory, Motol Hospital
Classification: Likely pathogenic for Leukodystrophy, hypomyelinating, 8, with or without oligodontia and/or hypogonadotropic hypogonadism. Last evaluated: 2026-08-04. Review status: criteria provided, single submitter. Criteria: ACMG Guidelines, 2015. Collection method: clinical testing. Allele origin: paternal. Inheritance: Autosomal recessive inheritance. Affected: yes. Observed: 1 variant allele, 1 compound heterozygote.
Comment: The variant c.2605G>C (paternal origin) was identified in trans with c.1253C>T (maternal origin) (PM3). The variant is rare in the control non-Finnish European population (2x in the heterozygous state, 2/1179318; gnomAD v4.1.1) (PM2). Rare variants in the POLR3B are associated with autosomal recessive hypomyelinating leukodystrophy-8 (HLD8) (OMIM #614381). In silico prediction support deleterious effect of this missense variant on the POLR3B gene (PP2, PP3). The variant is classified as likely pathogenic.

Literature cited by the submitters: PubMed 22036172; PubMed 22036171; PubMed 23355746.